The following is an entry in ClinVar:

ClinVar aggregate classification (germline): Uncertain significance. Review status: criteria provided, multiple submitters, no conflicts (2 of 4 stars). 4 submissions from 3 submitters: Uncertain significance (4). Last evaluated 2025-08-05.

Conditions:
Inborn genetic diseases. Identifiers: MedGen C0950123, MeSH D030342.
Meckel-Gruber syndrome. Also called: DYSENCEPHALIA SPLANCHNOCYSTICA; GRUBER SYNDROME; Dysencephalia splachnocystica. Identifiers: Orphanet 564, MedGen C0265215, MONDO:0018921.
Joubert syndrome. Also called: CEREBELLOPARENCHYMAL DISORDER IV; JOUBERT-BOLTSHAUSER SYNDROME; Familial aplasia of the vermis. Identifiers: Orphanet 475, MedGen C5979921, MONDO:0018772.
Joubert syndrome 24 (JBTS24). Identifiers: Orphanet 475, MedGen C4084841, MONDO:0014724, OMIM 616654.
Meckel syndrome, type 8. Identifiers: Orphanet 564, MedGen C3836857, MONDO:0013482, OMIM 613885.

Allele frequency attached by ClinVar (database versions not stated): ExAC 0.00001; gnomAD 0.00001.

Submissions (4):

Ambry Genetics
Classification: Uncertain significance for Inborn genetic diseases. Last evaluated: 2025-08-05. Review status: criteria provided, single submitter. Criteria: Ambry Variant Classification Scheme 2023. Collection method: clinical testing. Allele origin: germline.

Labcorp Genetics (formerly Invitae), Labcorp
Classification: Uncertain significance for Joubert syndrome; Meckel-Gruber syndrome. Last evaluated: 2022-07-09. Review status: criteria provided, single submitter. Criteria: Invitae Variant Classification Sherloc (09022015). Collection method: clinical testing. Allele origin: germline.
Comment: This variant is present in population databases (rs757725319, gnomAD 0.0009%). This sequence change replaces glycine, which is neutral and non-polar, with cysteine, which is neutral and slightly polar, at codon 101 of the TCTN2 protein (p.Gly101Cys). In summary, the available evidence is currently insufficient to determine the role of this variant in disease. Therefore, it has been classified as a Variant of Uncertain Significance. Algorithms developed to predict the effect of missense changes on protein structure and function are either unavailable or do not agree on the potential impact of this missense change (SIFT: "Deleterious"; PolyPhen-2: "Possibly Damaging"; Align-GVGD: "Class C15"). ClinVar contains an entry for this variant (Variation ID: 881226). This variant has not been reported in the literature in individuals affected with TCTN2-related conditions.

Illumina Laboratory Services, Illumina
Classification: Uncertain significance for Joubert syndrome 24. Last evaluated: 2018-01-13. Review status: criteria provided, single submitter. Criteria: ICSL Variant Classification Criteria 13 December 2019. Collection method: clinical testing. Allele origin: germline.

Illumina Laboratory Services, Illumina
Classification: Uncertain significance for Meckel syndrome, type 8. Last evaluated: 2018-01-13. Review status: criteria provided, single submitter. Criteria: ICSL Variant Classification Criteria 13 December 2019. Collection method: clinical testing. Allele origin: germline.

NM_024809.5(TCTN2):c.301G>T (p.Gly101Cys)

Gene: TCTN2 (tectonic family member 2; plus strand). Cytogenetic location: 12q24.31.
Variant type: single nucleotide variant.
Coding change: c.301G>T on transcript NM_024809.5 (MANE Select); coding-DNA position 301, G replaced by T.
Protein change: p.Gly101Cys; replaces glycine 101 with cysteine.
Molecular consequence: missense variant.
Genome position (GRCh38, 1-based): chr12:123,673,648, G>T. VCF-style: chr12-123673648-G-T. GRCh37 (hg19) VCF-style: chr12-124158195-G-T.
Other names: c.298G>T, p.Gly100Cys (NM_001143850.3); c.301G>T (NM_024809.3); short protein forms G100C, G101C.
Identifiers: ClinVar variation 881226 (VCV000881226.10), dbSNP rs757725319, ClinGen allele CA6860861.